The following is an entry in ClinVar:

ClinVar aggregate classification (germline): Conflicting classifications of pathogenicity. Review status: criteria provided, conflicting classifications (1 of 4 stars). 5 submissions from 5 submitters: Uncertain significance (1); Benign (1); Likely benign (3). Last evaluated 2026-01-24.

Conditions:
Ellis-van Creveld syndrome (EVC). Also called: MESOECTODERMAL DYSPLASIA; Chondroectodermal dysplasia. Identifiers: Orphanet 289, MedGen C0013903, MONDO:0009162, OMIM 225500.
Curry-Hall syndrome (WAD). Also called: WEYERS ACRODENTAL DYSOSTOSIS. Identifiers: Orphanet 952, MedGen C0457013, MONDO:0008673, OMIM 193530.

Allele frequency attached by ClinVar (database versions not stated): 1000 Genomes Project 30x 0.00016; 1000 Genomes Project 0.00020; TOPMed 0.00113; gnomAD 0.00122 and 0.00146; ESP Exome Variant Server 0.00123; gnomAD exomes 0.00123 and 0.00125; ExAC 0.00172.
gnomAD v4.1: 1,981 of 1,608,676 alleles (0.12%); highest among the groups gnomAD compares: Non-Finnish European, 0.15%; 1 homozygote.

Submissions (5):

Labcorp Genetics (formerly Invitae), Labcorp
Classification: Benign for Curry-Hall syndrome; Ellis-van Creveld syndrome. Last evaluated: 2026-01-24. Review status: criteria provided, single submitter. Criteria: Invitae Variant Classification Sherloc (09022015). Collection method: clinical testing. Allele origin: germline.

Blueprint Genetics
Classification: Likely benign. Last evaluated: 2024-11-07. Review status: criteria provided, single submitter. Criteria: ACMG Guidelines, 2015. Collection method: clinical testing. Allele origin: germline.

CeGaT Center for Human Genetics Tuebingen
Classification: Likely benign. Last evaluated: 2024-09-01. Review status: criteria provided, single submitter. Criteria: CeGaT Center For Human Genetics Tuebingen Variant Classification Criteria Version 2. Collection method: clinical testing. Allele origin: germline. Affected: yes. Observed: 2 variant alleles.
Comment: EVC2: BP4, BP7

ARUP Laboratories, Molecular Genetics and Genomics, ARUP Laboratories
Classification: Likely benign. Last evaluated: 2018-11-12. Review status: criteria provided, single submitter. Criteria: ARUP Molecular Germline Variant Investigation Process. Collection method: clinical testing. Allele origin: germline.

Illumina Laboratory Services, Illumina
Classification: Uncertain significance for Ellis-van Creveld syndrome. Last evaluated: 2017-04-28. Review status: criteria provided, single submitter. Criteria: ICSL Variant Classification Criteria 13 December 2019. Collection method: clinical testing. Allele origin: germline.

NM_147127.5(EVC2):c.3411C>T (p.Ala1137=)

Gene: EVC2 (EvC ciliary complex subunit 2; minus strand). Cytogenetic location: 4p16.2.
Variant type: single nucleotide variant.
Coding change: c.3411C>T on transcript NM_147127.5 (MANE Select); coding-DNA position 3411, C replaced by T.
Protein change: p.Ala1137=; no amino-acid change (alanine 1137 retained).
Molecular consequence: synonymous variant.
Genome position (GRCh38, 1-based): chr4:5,568,590, G>A on the plus strand (C>T on the coding strand, the complement: EVC2 is on the minus strand). VCF-style: chr4-5568590-G-A. GRCh37 (hg19) VCF-style: chr4-5570317-G-A.
Other names: c.3171C>T, p.Ala1057= (NM_001166136.2).
Identifiers: ClinVar variation 772299 (VCV000772299.46), dbSNP rs144532809, ClinGen allele CA2834322.